The following is an entry in ClinVar:

ClinVar aggregate classification (germline): Uncertain significance (1 of 4 stars; one submission).

Conditions:
Fanconi anemia (FA). Also called: Fanconi's anemia. Identifiers: Orphanet 84, MedGen C0015625, MeSH D005199, MONDO:0019391.

Submission:

Labcorp Genetics (formerly Invitae), Labcorp
Classification: Uncertain significance for Fanconi anemia. Last evaluated: 2021-11-30. Review status: criteria provided, single submitter. Criteria: Invitae Variant Classification Sherloc (09022015). Collection method: clinical testing. Allele origin: germline.
Comment: This sequence change replaces aspartic acid, which is acidic and polar, with histidine, which is basic and polar, at codon 1682 of the FANCM protein (p.Asp1682His). In summary, the available evidence is currently insufficient to determine the role of this variant in disease. Therefore, it has been classified as a Variant of Uncertain Significance. Algorithms developed to predict the effect of missense changes on protein structure and function are either unavailable or do not agree on the potential impact of this missense change (SIFT: "Tolerated"; PolyPhen-2: "Possibly Damaging"; Align-GVGD: "Class C0"). This variant has not been reported in the literature in individuals affected with FANCM-related conditions. This variant is not present in population databases (gnomAD no frequency).

NM_020937.4(FANCM):c.5044G>C (p.Asp1682His)

Gene: FANCM (FA complementation group M; plus strand). Cytogenetic location: 14q21.2.
Variant type: single nucleotide variant.
Coding change: c.5044G>C on transcript NM_020937.4 (MANE Select); coding-DNA position 5044, G replaced by C.
Protein change: p.Asp1682His; replaces aspartic acid 1682 with histidine.
Molecular consequence: missense variant.
Genome position (GRCh38, 1-based): chr14:45,189,066, G>C. VCF-style: chr14-45189066-G-C. GRCh37 (hg19) VCF-style: chr14-45658269-G-C.
Other names: c.4966G>C, p.Asp1656His (NM_001308133.2); short protein forms D1682H, D1656H.
Identifiers: ClinVar variation 1977744 (VCV001977744.5), dbSNP rs1448480428, ClinGen allele CA389612115.